The following is an entry in ClinVar:

ClinVar aggregate classification (germline): Pathogenic/Likely pathogenic. Review status: criteria provided, multiple submitters, no conflicts (2 of 4 stars). 14 submissions from 14 submitters: Pathogenic (3); Likely pathogenic (11). Last evaluated 2025-12-10.

Conditions:
DPYD-related disorder. Also called: DPYD-related condition.
Dihydropyrimidine dehydrogenase deficiency (DPYDD). Also called: DPD DEFICIENCY; DPYD DEFICIENCY; Hereditary Thymine-Uraciluria. Identifiers: Orphanet 1675, MedGen C1959620, MONDO:0010130, OMIM 274270.
DPYD-related disorders.

Allele frequency attached by ClinVar (database versions not stated): TOPMed 0.00001; gnomAD 0.00004; gnomAD exomes 0.00005 and 0.00008; ExAC 0.00007; 1000 Genomes Project 30x 0.00016; 1000 Genomes Project 0.00020.
gnomAD v4.1: 130 of 1,612,888 alleles (0.0081%); highest among the groups gnomAD compares: Middle Eastern, 0.18%; no homozygotes.

Submissions (14):

PreventionGenetics, part of Exact Sciences
Classification: Likely pathogenic for DPYD-related condition. Last evaluated: 2025-12-10. Review status: criteria provided, single submitter. Criteria: ACMG Guidelines, 2015. Collection method: clinical testing. Allele origin: germline.
Comment: The DPYD c.257C>T variant is predicted to result in the amino acid substitution p.Pro86Leu. This variant has previously been reported in individuals with dihydropyrimidine dehydrogenase deficiency (van Kuilenburg et al. 2002. PubMed ID: 11988088; van Kuilenburg et al. 2018. PubMed ID: 30349988). Functional in vitro studies revealed this variant results in reduced enzyme activity (Elraiyah et al. 2017. PubMed ID: 27727460). This variant is reported in 0.014% of alleles in individuals of Latino descent in gnomAD. This variant is interpreted as likely pathogenic.

Victorian Clinical Genetics Services, Murdoch Childrens Research Institute
Classification: Pathogenic for Dihydropyrimidine dehydrogenase deficiency. Last evaluated: 2025-11-11. Review status: criteria provided, single submitter. Criteria: ACMG Guidelines, 2015. Collection method: clinical testing. Allele origin: germline. Affected: yes.
Comment: This variant is classified as Pathogenic. Evidence in support of pathogenic classification: Variant is present in gnomAD <0.01 for a recessive condition (v4: 130 heterozygote(s), 0 homozygote(s)); This variant has strong previous evidence of pathogenicity in unrelated individuals. This variant has been classified as pathogenic by multiple clinical laboratories in ClinVar. It has been observed as homozygous or compound heterozygous in individuals with dihydropyrimidine dehydrogenase deficiency and/or 5-fluorouracil toxicity (PMIDs: 30349988, 11988088, 39113696). Additional information: Variant is predicted to result in a missense amino acid change from Pro to Leu; This variant is heterozygous; This gene is associated with autosomal recessive disease; Loss of function is a known mechanism of disease in this gene and is associated with dihydropyrimidine dehydrogenase deficiency (MIM#274270).

First Genomix Gene Laboratory, Genetic Diagnostics Department
Classification: Likely pathogenic for Dihydropyrimidine dehydrogenase deficiency. Last evaluated: 2025-08-18. Review status: criteria provided, single submitter. Criteria: ACMG Guidelines, 2015. Collection method: clinical testing. Allele origin: germline. Inheritance: Autosomal recessive inheritance. Affected: no. Observed: 1 variant allele.

Blueprint Genetics
Classification: Likely pathogenic for DPYD-related disorders. Last evaluated: 2024-07-03. Review status: criteria provided, single submitter. Criteria: ACMG Guidelines, 2015. Collection method: clinical testing. Allele origin: germline. Affected: yes. Observed: 5 variant alleles.

Genomic Medicine Center of Excellence, King Faisal Specialist Hospital and Research Centre
Classification: Likely pathogenic for Dihydropyrimidine dehydrogenase deficiency. Last evaluated: 2024-03-25. Review status: criteria provided, single submitter. Criteria: ACMG Guidelines, 2015. Collection method: clinical testing. Allele origin: germline.

Clinical Genomics Laboratory, Washington University in St. Louis
Classification: Likely pathogenic for Dihydropyrimidine dehydrogenase deficiency. Last evaluated: 2024-03-22. Review status: criteria provided, single submitter. Criteria: ACMG Guidelines, 2015. Collection method: clinical testing. Allele origin: germline.
Comment: The DPYD c.257C>T (p.Pro86Leu) variant has been observed in at least four individuals affected with dihydropyrimidine dehydrogenase deficiency in the homozygous and compound heterozygous states (Elraiyah Y et al., PMID: 27727460; Del Re M et al., PMID: 26651493; van Kuilenburg ABP et al., PMID: 30349988; van Kuilenburg AB et al., 11783493; van Kuilenburg AB et al., PMID: 11988088). This variant is only observed on 15/282,466 alleles in the general population (gnomAD v.2.1.1), indicating it is not a common variant. Functional studies show reduced or abolished enzyme activity, indicating that this variant impacts protein function (Elraiyah T et al., PMID: 27727460; van Kuilenburg ABP et al., PMID: 30349988). Computational predictors indicate that the variant is damaging, evidence that correlates with impact to DPYD function. Based on available information and the ACMG/AMP guidelines for variant interpretation (Richards S et al., PMID: 25741868), this variant is classified as likely pathogenic.

CeGaT Center for Human Genetics Tuebingen
Classification: Pathogenic. Last evaluated: 2023-09-01. Review status: criteria provided, single submitter. Criteria: CeGaT Center For Human Genetics Tuebingen Variant Classification Criteria Version 2. Collection method: clinical testing. Allele origin: germline. Affected: yes. Observed: 1 variant allele.
Comment: DPYD: PS3:Very Strong, PS4:Moderate, PP3

GeneDx
Classification: Likely pathogenic. Last evaluated: 2023-06-02. Review status: criteria provided, single submitter. Criteria: GeneDx Variant Classification Process June 2021. Collection method: clinical testing. Allele origin: germline. Affected: yes.
Comment: Identified in the heterozygous state in individuals who developed partial DPD deficiency and toxicity when exposed to fluorouracil, a chemotherapy drug (Del Re et al., 2016; Thomas et al., 2016); Published functional studies demonstrate a damaging effect with a significant reduction in enzyme activity compared with wild type (Elraiyah et al., 2017); In silico analysis supports that this missense variant has a deleterious effect on protein structure/function; This variant is associated with the following publications: (PMID: 27727460, 15591715, 17046731, 15450176, 28128059, 11988088, 12851836, 30349988, 11783493, 26265035, 15377401, 26651493, 32529295, 34449540, 34426522, 35089958)

Genome-Nilou Lab
Classification: Likely pathogenic for Dihydropyrimidine dehydrogenase deficiency. Last evaluated: 2023-04-11. Review status: criteria provided, single submitter. Criteria: ACMG Guidelines, 2015. Collection method: clinical testing. Allele origin: germline. Affected: no.

Institute of Human Genetics, University of Leipzig Medical Center
Classification: Likely pathogenic for Dihydropyrimidine dehydrogenase deficiency. Last evaluated: 2022-06-10. Review status: criteria provided, single submitter. Criteria: ACMG Guidelines, 2015. Collection method: clinical testing. Allele origin: unknown. Affected: yes.
Comment: _x000D_ Criteria applied: PS3, PS4_MOD, PP3

Fulgent Genetics
Classification: Likely pathogenic for Dihydropyrimidine dehydrogenase deficiency. Last evaluated: 2022-03-16. Review status: criteria provided, single submitter. Criteria: ACMG Guidelines, 2015. Collection method: clinical testing. Allele origin: unknown.

Women's Health and Genetics/Laboratory Corporation of America, LabCorp
Classification: Pathogenic for Dihydropyrimidine dehydrogenase deficiency. Last evaluated: 2022-03-16. Review status: criteria provided, single submitter. Criteria: LabCorp Variant Classification Summary - May 2015. Collection method: clinical testing. Allele origin: germline.
Comment: Variant summary: DPYD c.257C>T (p.Pro86Leu) results in a non-conservative amino acid change located in the Domain I (Elraiyah_2017) of the encoded protein sequence. Five of five in-silico tools predict a damaging effect of the variant on protein function. The variant allele was found at a frequency of 5.2e-05 in 251076 control chromosomes. This frequency is not significantly higher than expected for a pathogenic variant in DPYD causing Dihydropyrimidine Dehydrogenase Deficiency (5.2e-05 vs 0.0025), allowing no conclusion about variant significance. c.257C>T has been reported in the literature as a homozygous, compound heterozygous and apparently homozygous (UPD chromosome 1) genotype in at-least three individuals affected with Dihydropyrimidine dehydrogenase deficiency (example, Van Kuilenberg_2000, 2002, 2019), Del Re_2016) and has been subsequently cited by others (example, Elraiyah_2017). These data indicate that the variant is likely to be associated with disease. Multiple publications report experimental evidence evaluating an impact on protein function (example, Van Kuilenberg_2002, Elraiyah_2017, Van Kuilenberg_2019). The most pronounced variant effect results in complete absence (1%) of normal Dihydropyrimidine dehydrogenase (DPD) enzyme activity. Three clinical diagnostic laboratories have submitted clinical-significance assessments for this variant to ClinVar after 2014 without evidence for independent evaluation. All laboratories classified the variant as likely pathogenic. Based on the evidence outlined above, the variant was classified as pathogenic.

Revvity Omics, Revvity
Classification: Likely pathogenic for Dihydropyrimidine dehydrogenase deficiency. Last evaluated: 2021-10-07. Review status: criteria provided, single submitter. Criteria: ACMG Guidelines, 2015. Collection method: clinical testing. Allele origin: germline.

Kariminejad - Najmabadi Pathology & Genetics Center
Classification: Likely pathogenic for Dihydropyrimidine dehydrogenase deficiency. Review status: criteria provided, single submitter. Criteria: ACMG Guidelines, 2015. Collection method: clinical testing. Allele origin: germline. Affected: no.

Literature cited by the submitters: PubMed 11783493 (cited by Victorian Clinical Genetics Services, Murdoch Childrens Research Institute and Women's Health and Genetics/Laboratory Corporation of America, LabCorp); PubMed 30349988 (cited by Victorian Clinical Genetics Services, Murdoch Childrens Research Institute and Women's Health and Genetics/Laboratory Corporation of America, LabCorp); PubMed 11988088 (cited by Victorian Clinical Genetics Services, Murdoch Childrens Research Institute and Women's Health and Genetics/Laboratory Corporation of America, LabCorp); PubMed 39113696 (cited by Victorian Clinical Genetics Services, Murdoch Childrens Research Institute); PubMed 27727460 (cited by Women's Health and Genetics/Laboratory Corporation of America, LabCorp); PubMed 26651493 (cited by Women's Health and Genetics/Laboratory Corporation of America, LabCorp).

NM_000110.4(DPYD):c.257C>T (p.Pro86Leu)

Gene: DPYD (dihydropyrimidine dehydrogenase; minus strand). Cytogenetic location: 1p21.3.
Variant type: single nucleotide variant.
Coding change: c.257C>T on transcript NM_000110.4 (MANE Select); coding-DNA position 257, C replaced by T.
Protein change: p.Pro86Leu; replaces proline 86 with leucine.
Molecular consequence: missense variant.
Genome position (GRCh38, 1-based): chr1:97,740,456, G>A on the plus strand (C>T on the coding strand, the complement: DPYD is on the minus strand). VCF-style: chr1-97740456-G-A. GRCh37 (hg19) VCF-style: chr1-98206012-G-A.
Other names: c.257C>T, p.Pro86Leu (NM_001160301.1); short protein forms P86L.
Identifiers: ClinVar variation 1028072 (VCV001028072.48), dbSNP rs568132506, ClinGen allele CA963745.